The following is an entry in ClinVar:

NM_005732.4(RAD50):c.3458_3459dup (p.Thr1154fs)

Genes: RAD50 (RAD50 double strand break repair protein; plus strand), TH2-LCR (Th2 cytokine locus control region; plus strand), TH2LCRR (T helper type 2 locus control region associated RNA; minus strand). Cytogenetic location: 5q31.1.
Variant type: Duplication.
Coding change: c.3458_3459dup on transcript NM_005732.4 (MANE Select); coding-DNA positions 3458 to 3459, 2 bases duplicated (GT; older notation c.3458_3459dupGT).
Protein change: p.Thr1154fs; shifts the reading frame from threonine 1154.
Molecular consequence: frameshift variant.
Genome position (GRCh38, 1-based): chr5:132,637,183-132,637,184, GT duplicated. VCF-style (leftmost placement, unchanged base first): chr5-132637182-A-AGT. GRCh37 (hg19) VCF-style: chr5-131972874-A-AGT.
Other names: c.3458_3459dup (NM_005732.3); short protein forms T1154fs.
Identifiers: ClinVar variation 1456267 (VCV001456267.8), dbSNP rs2149862783, ClinGen allele CA2573139086.

ClinVar aggregate classification (germline): Pathogenic (1 of 4 stars; one submission).

Conditions:
Hereditary cancer-predisposing syndrome. Also called: Neoplastic Syndromes, Hereditary; Hereditary Cancer Syndrome; Hereditary neoplastic syndrome; Tumor predisposition. Identifiers: Orphanet 140162, MedGen C0027672, MeSH D009386, MONDO:0015356.
Nijmegen breakage syndrome-like disorder (NBSLD). Also called: MICROCEPHALY AND SPONTANEOUS CHROMOSOME INSTABILITY WITHOUT IMMUNODEFICIENCY; NBS-LIKE DISORDER; RAD50 DEFICIENCY. Identifiers: Orphanet 240760, MedGen C2751318, MONDO:0013118, OMIM 613078.

Submission:

Labcorp Genetics (formerly Invitae), Labcorp
Classification: Pathogenic for Hereditary cancer-predisposing syndrome. Last evaluated: 2021-09-29. Review status: criteria provided, single submitter. Criteria: Invitae Variant Classification Sherloc (09022015). Collection method: clinical testing. Allele origin: germline.
Comment: For these reasons, this variant has been classified as Pathogenic. This variant has not been reported in the literature in individuals affected with RAD50-related conditions. This variant is not present in population databases (ExAC no frequency). This sequence change creates a premature translational stop signal (p.Thr1154Valfs*11) in the RAD50 gene. It is expected to result in an absent or disrupted protein product. Loss-of-function variants in RAD50 are known to be pathogenic (PMID: 19409520).

Literature cited by the submitters: PubMed 19409520 (cited by Labcorp Genetics (formerly Invitae), Labcorp).